The following is an entry in ClinVar:

NM_021999.5(ITM2B):c.48G>C (p.Lys16Asn)

Genes: ITM2B (integral membrane protein 2B; plus strand), LOC130009751 (ATAC-STARR-seq lymphoblastoid silent region 5331; plus strand). Cytogenetic location: 13q14.2.
Variant type: single nucleotide variant.
Coding change: c.48G>C on transcript NM_021999.5 (MANE Select); coding-DNA position 48, G replaced by C.
Protein change: p.Lys16Asn; replaces lysine 16 with asparagine.
Molecular consequence: missense variant.
Genome position (GRCh38, 1-based): chr13:48,233,408, G>C. VCF-style: chr13-48233408-G-C. GRCh37 (hg19) VCF-style: chr13-48807544-G-C.
Other names: short protein forms K16N.
Identifiers: ClinVar variation 1723484 (VCV001723484.2), dbSNP rs2542037522, ClinGen allele CA388249966.

ClinVar aggregate classification (germline): Uncertain significance (1 of 4 stars; one submission).

Submission:

GeneDx
Classification: Uncertain significance. Last evaluated: 2022-05-09. Review status: criteria provided, single submitter. Criteria: GeneDx Variant Classification Process June 2021. Collection method: clinical testing. Allele origin: germline. Affected: yes.
Comment: Not observed at significant frequency in large population cohorts (gnomAD); In silico analysis supports that this missense variant does not alter protein structure/function; Has not been previously published as pathogenic or benign to our knowledge